The following is an entry in ClinVar:

ClinVar aggregate classification (germline): Pathogenic (1 of 4 stars; one submission).

Conditions:
Hereditary cancer-predisposing syndrome. Also called: Neoplastic Syndromes, Hereditary; Tumor predisposition; Hereditary neoplastic syndrome; Hereditary Cancer Syndrome. Identifiers: Orphanet 140162, MedGen C0027672, MeSH D009386, MONDO:0015356.

Submission:

Ambry Genetics
Classification: Pathogenic for Hereditary cancer-predisposing syndrome. Last evaluated: 2026-07-28. Review status: criteria provided, single submitter. Criteria: Ambry Variant Classification Scheme 2023. Collection method: clinical testing. Allele origin: germline.
Comment: The p.Y2* pathogenic mutation (also known as c.6C>G), located in coding exon 1 of the TMEM127 gene, results from a C to G substitution at nucleotide position 6. This changes the amino acid from a tyrosine to a stop codon within coding exon 1. This alteration is expected to result in loss of function by premature protein truncation or nonsense-mediated mRNA decay. As such, this alteration is interpreted as a disease-causing mutation.

NM_017849.4(TMEM127):c.6C>G (p.Tyr2Ter)

Genes: TMEM127 (transmembrane protein 127; minus strand), LOC129934333 (ATAC-STARR-seq lymphoblastoid silent region 11759; plus strand). Cytogenetic location: 2q11.2.
Variant type: single nucleotide variant.
Coding change: c.6C>G on transcript NM_017849.4 (MANE Select); coding-DNA position 6, C replaced by G.
Protein change: p.Tyr2Ter; replaces tyrosine 2 with a stop codon.
Molecular consequence: nonsense. On other transcripts: intron variant (1).
Genome position (GRCh38, 1-based): chr2:96,265,376, G>C on the plus strand (C>G on the coding strand, the complement: TMEM127 is on the minus strand). VCF-style: chr2-96265376-G-C. GRCh37 (hg19) VCF-style: chr2-96931114-G-C.
Other names: c.6C>G, p.Tyr2Ter (NM_001193304.3); c.-9+493C>G (NM_001407283.1); short protein forms Y2*.
Identifiers: ClinVar variation 5030933 (VCV005030933.1).
Genomic context (GRCh38, chr2:96,265,376, plus strand): 5'-AGCGCTGCCTCCCGGGCTCCTCCGCCGGCGCCCGCCGGGCAGCCCTGCGCCTCCGGGGGC[G>C]TACATGCCCGGGGCCGCCCGCCGTCGCTCCGCAGTCGCTGCTGGTCGCCGCCGACCTCCG-3'